The following is an entry in ClinVar:

ClinVar aggregate classification (germline): Uncertain significance. Review status: criteria provided, multiple submitters, no conflicts (2 of 4 stars). 5 submissions from 5 submitters: Uncertain significance (5). Last evaluated 2025-11-07.

Conditions:
Osteogenesis imperfecta type I (OI1). Also called: OI, TYPE I; OSTEOGENESIS IMPERFECTA TARDA; OSTEOGENESIS IMPERFECTA WITH BLUE SCLERAE; Lobstein's Disease; Classic Non-deforming Osteogenesis Imperfecta with Blue Sclerae; Lobstein disease. Identifiers: Orphanet 216796, Orphanet 666, MedGen C0023931, MONDO:0008146, OMIM 166200. Disease mechanism: loss of function.
Ehlers-Danlos syndrome, classic type, 1 (EDSCL1). Also called: Ehlers-Danlos Syndrome, Classic Type, COL5A1-Related; EDS I; Ehlers-Danlos syndrome, type 1; EHLERS-DANLOS SYNDROME, GRAVIS TYPE; EHLERS-DANLOS SYNDROME, SEVERE CLASSIC TYPE. Identifiers: MedGen C0268335, MONDO:0019567, OMIM 130000.
Connective tissue disorder. Also called: Connective tissue disease. Identifiers: MedGen C0009782, MONDO:0003900.

Allele frequency attached by ClinVar (database versions not stated): ExAC 0.00007; gnomAD exomes 0.00005 and 0.00007; gnomAD 0.00009 and 0.00008; ESP Exome Variant Server 0.00023; TOPMed 0.00011.
gnomAD v4.1: 116 of 1,613,890 alleles (0.0072%); highest among the groups gnomAD compares: African/African-American, 0.028%; no homozygotes.

Submissions (5):

Women's Health and Genetics/Laboratory Corporation of America, LabCorp
Classification: Uncertain significance. Last evaluated: 2025-11-07. Review status: criteria provided, single submitter. Criteria: LabCorp Variant Classification Summary - May 2015. Collection method: clinical testing. Allele origin: germline.
Comment: Variant summary: COL1A2 c.395G>A (p.Arg132His) results in a non-conservative amino acid change in the encoded protein sequence. Algorithms developed to predict the effect of missense changes on protein structure and function all suggest that this variant is likely to be disruptive. The variant allele was found at a frequency of 4.8e-05 in 251358 control chromosomes. This frequency is not significantly higher than estimated for disease-causing variants in COL1A2, allowing no conclusion about variant significance. c.395G>A has been observed in individual(s) affected with osteogenesis imperfecta (example: Ohata_2019). These report(s) do not provide unequivocal conclusions about association of the variant with Ehlers-Danlos syndrome, cardiac valvular type. To our knowledge, no experimental evidence demonstrating an impact on protein function has been reported. The following publication has been ascertained in the context of this evaluation (PMID: 31363794). ClinVar contains an entry for this variant (Variation ID: 547235). Based on the evidence outlined above, the variant was classified as uncertain significance.

Labcorp Genetics (formerly Invitae), Labcorp
Classification: Uncertain significance for Osteogenesis imperfecta type I; Ehlers-Danlos syndrome, classic type, 1. Last evaluated: 2025-01-15. Review status: criteria provided, single submitter. Criteria: Invitae Variant Classification Sherloc (09022015). Collection method: clinical testing. Allele origin: germline.
Comment: This sequence change replaces arginine, which is basic and polar, with histidine, which is basic and polar, at codon 132 of the COL1A2 protein (p.Arg132His). This variant is present in population databases (rs372678526, gnomAD 0.02%). This missense change has been observed in individual(s) with osteogenesis imperfecta (PMID: 31363794). ClinVar contains an entry for this variant (Variation ID: 547235). Invitae Evidence Modeling of protein sequence and biophysical properties (such as structural, functional, and spatial information, amino acid conservation, physicochemical variation, residue mobility, and thermodynamic stability) has been performed for this missense variant. However, the output from this modeling did not meet the statistical confidence thresholds required to predict the impact of this variant on COL1A2 protein function. In summary, the available evidence is currently insufficient to determine the role of this variant in disease. Therefore, it has been classified as a Variant of Uncertain Significance.

GeneDx
Classification: Uncertain significance. Last evaluated: 2024-05-03. Review status: criteria provided, single submitter. Criteria: GeneDx Variant Classification Process June 2021. Collection method: clinical testing. Allele origin: germline. Affected: yes.
Comment: Identified in association with osteogenesis imperfecta (PMID: 31363794); Occurs in the triple helical domain at the Y position in the canonical Gly-X-Y repeat. Although this variant may have an effect on normal protein folding and function, missense substitution at the Y position is not a common mechanism of disease (HGMD); In silico analysis supports that this missense variant has a deleterious effect on protein structure/function; This variant is associated with the following publications: (PMID: 31363794)

Mayo Clinic Laboratories, Mayo Clinic
Classification: Uncertain significance. Last evaluated: 2020-08-26. Review status: criteria provided, single submitter. Criteria: ACMG Guidelines, 2015. Collection method: clinical testing. Allele origin: germline. Observed: 1 variant allele.

Center for Human Genetics, Inc
Classification: Uncertain significance for Connective tissue disorder. Last evaluated: 2016-11-01. Review status: criteria provided, single submitter. Criteria: ACMG Guidelines, 2015. Collection method: clinical testing. Allele origin: germline. Affected: yes.

Literature cited by the submitters: PubMed 31363794 (cited by Women's Health and Genetics/Laboratory Corporation of America, LabCorp and Labcorp Genetics (formerly Invitae), Labcorp).

NM_000089.4(COL1A2):c.395G>A (p.Arg132His)

Gene: COL1A2 (collagen type I alpha 2 chain; plus strand). Cytogenetic location: 7q21.3.
Variant type: single nucleotide variant.
Coding change: c.395G>A on transcript NM_000089.4 (MANE Select); coding-DNA position 395, G replaced by A.
Protein change: p.Arg132His; replaces arginine 132 with histidine.
Molecular consequence: missense variant.
Genome position (GRCh38, 1-based): chr7:94,404,855, G>A. VCF-style: chr7-94404855-G-A. GRCh37 (hg19) VCF-style: chr7-94034167-G-A.
Other names: short protein forms R132H.
Identifiers: ClinVar variation 547235 (VCV000547235.18), dbSNP rs372678526, ClinGen allele CA4346660.